The following is an entry in ClinVar:

ClinVar aggregate classification (germline): Conflicting classifications of pathogenicity. Review status: criteria provided, conflicting classifications (1 of 4 stars). 2 submissions from 2 submitters: Uncertain significance (1); Benign (1). Last evaluated 2026-02-03.

Conditions:
Gorlin syndrome. Also called: Basal cell nevus syndrome; Nevoid Basal Cell Carcinoma Syndrome. Identifiers: Orphanet 377, MedGen C0004779, MONDO:0007187.
Hereditary cancer-predisposing syndrome. Also called: Hereditary neoplastic syndrome; Tumor predisposition; Neoplastic Syndromes, Hereditary; Hereditary Cancer Syndrome. Identifiers: Orphanet 140162, MedGen C0027672, MeSH D009386, MONDO:0015356.

Allele frequency attached by ClinVar (database versions not stated): gnomAD exomes below 0.00001 and 0.00001; ExAC 0.00001.

Submissions (2):

Labcorp Genetics (formerly Invitae), Labcorp
Classification: Benign for Gorlin syndrome. Last evaluated: 2026-02-03. Review status: criteria provided, single submitter. Criteria: Invitae Variant Classification Sherloc (09022015). Collection method: clinical testing. Allele origin: germline.

Ambry Genetics
Classification: Uncertain significance for Hereditary cancer-predisposing syndrome. Last evaluated: 2024-07-09. Review status: criteria provided, single submitter. Criteria: Ambry Variant Classification Scheme 2023. Collection method: clinical testing. Allele origin: germline.
Comment: The p.D951G variant (also known as c.2852A>G), located in coding exon 17 of the PTCH1 gene, results from an A to G substitution at nucleotide position 2852. The aspartic acid at codon 951 is replaced by glycine, an amino acid with similar properties. This amino acid position is conserved. In addition, this alteration is predicted to be deleterious by in silico analysis. Based on the available evidence, the clinical significance of this variant remains unclear.

NM_000264.5(PTCH1):c.2852A>G (p.Asp951Gly)

Gene: PTCH1 (patched 1; minus strand). Cytogenetic location: 9q22.32.
Variant type: single nucleotide variant.
Coding change: c.2852A>G on transcript NM_000264.5 (MANE Select); coding-DNA position 2852, A replaced by G.
Protein change: p.Asp951Gly; replaces aspartic acid 951 with glycine.
Molecular consequence: missense variant. On other transcripts: non-coding transcript variant (1).
Genome position (GRCh38, 1-based): chr9:95,459,635, T>C on the plus strand (A>G on the coding strand, the complement: PTCH1 is on the minus strand). VCF-style: chr9-95459635-T-C. GRCh37 (hg19) VCF-style: chr9-98221917-T-C.
Other names: c.2654A>G, p.Asp885Gly (NM_001083602.3); c.2849A>G, p.Asp950Gly (NM_001083603.3); c.2399A>G, p.Asp800Gly (NM_001083604.3, NM_001083605.3, NM_001083606.3 and 1 more transcripts); c.2696A>G, p.Asp899Gly (NM_001354918.2); short protein forms D885G, D899G, D950G, D800G, D951G.
Identifiers: ClinVar variation 957672 (VCV000957672.11), dbSNP rs752126122, ClinGen allele CA5138315.